The following is an entry in ClinVar:

NM_006734.4(HIVEP2):c.4848C>T (p.Ser1616=)

Gene: HIVEP2 (HIVEP zinc finger 2; minus strand). Cytogenetic location: 6q24.2.
Variant type: single nucleotide variant.
Coding change: c.4848C>T on transcript NM_006734.4 (MANE Select); coding-DNA position 4848, C replaced by T.
Protein change: p.Ser1616=; no amino-acid change (serine 1616 retained).
Molecular consequence: synonymous variant.
Genome position (GRCh38, 1-based): chr6:142,769,891, G>A on the plus strand (C>T on the coding strand, the complement: HIVEP2 is on the minus strand). VCF-style: chr6-142769891-G-A. GRCh37 (hg19) VCF-style: chr6-143091028-G-A.
Other names: c.4848C>T (NM_006734.3).
Identifiers: ClinVar variation 1972315 (VCV001972315.7), dbSNP rs13205157, ClinGen allele CA149014430.

ClinVar aggregate classification (germline): Benign. Review status: criteria provided, single submitter (1 of 4 stars). 2 submissions from 2 submitters: Benign (1). 1 of the submissions does not count toward it. Last evaluated 2025-07-13.

Conditions:
HIVEP2-related disorder. Also called: HIVEP2-related condition.

Allele frequency attached by ClinVar (database versions not stated): gnomAD exomes 0.00001; gnomAD 0.00003; TOPMed 0.00003.
gnomAD v4.1: 33 of 1,613,944 alleles (0.002%); highest among the groups gnomAD compares: East Asian, 0.011%; no homozygotes.

Submissions (2):

Labcorp Genetics (formerly Invitae), Labcorp
Classification: Benign. Last evaluated: 2025-07-13. Review status: criteria provided, single submitter. Criteria: Invitae Variant Classification Sherloc (09022015). Collection method: clinical testing. Allele origin: germline.

PreventionGenetics, part of Exact Sciences
Classification: Likely benign for HIVEP2-related condition. Last evaluated: 2019-03-05. Review status: no assertion criteria provided. Collection method: clinical testing. Allele origin: germline. Not counted in ClinVar's aggregate classification.
Comment: This variant is classified as likely benign based on ACMG/AMP sequence variant interpretation guidelines (Richards et al. 2015 PMID: 25741868, with internal and published modifications).